The following is an entry in ClinVar:

NM_002230.4(JUP):c.2117C>T (p.Ser706Phe)

Gene: JUP (junction plakoglobin; minus strand). Cytogenetic location: 17q21.2.
Variant type: single nucleotide variant.
Coding change: c.2117C>T on transcript NM_002230.4 (MANE Select); coding-DNA position 2117, C replaced by T.
Protein change: p.Ser706Phe; replaces serine 706 with phenylalanine.
Molecular consequence: missense variant.
Genome position (GRCh38, 1-based): chr17:41,755,865, G>A on the plus strand (C>T on the coding strand, the complement: JUP is on the minus strand). VCF-style: chr17-41755865-G-A. GRCh37 (hg19) VCF-style: chr17-39912117-G-A.
Other names: c.2117C>T, p.Ser706Phe (NM_001352773.2, NM_001352774.2, NM_001352775.2 and 3 more transcripts); short protein forms S706F.
Identifiers: ClinVar variation 4788137 (VCV004788137.1).

ClinVar aggregate classification (germline): Uncertain significance (1 of 4 stars; one submission).

Conditions:
Naxos disease (NXD). Also called: KERATOSIS PALMOPLANTARIS WITH ARRHYTHMOGENIC CARDIOMYOPATHY; MAL DE NAXOS; PALMOPLANTAR KERATODERMA WITH ARRHYTHMOGENIC RIGHT VENTRICULAR CARDIOMYOPATHY AND WOOLLY HAIR; WOOLLY HAIR, PALMOPLANTAR KERATODERMA, AND CARDIAC ABNORMALITIES; CARDIOMYOPATHY, ARRHYTHMOGENIC RIGHT VENTRICULAR, WITH SKIN, HAIR, AND NAIL ABNORMALITIES. Identifiers: Orphanet 34217, MedGen C1832600, MONDO:0011017, OMIM 601214.
Arrhythmogenic right ventricular dysplasia 12. Also called: ARRHYTHMOGENIC RIGHT VENTRICULAR DYSPLASIA, FAMILIAL, 12. Identifiers: MedGen C1969081, MONDO:0012684, OMIM 611528.

Submission:

Labcorp Genetics (formerly Invitae), Labcorp
Classification: Uncertain significance for Arrhythmogenic right ventricular dysplasia 12; Naxos disease. Last evaluated: 2025-12-01. Review status: criteria provided, single submitter. Criteria: Invitae Variant Classification Sherloc (09022015). Collection method: clinical testing. Allele origin: germline.
Comment: This sequence change replaces serine, which is neutral and polar, with phenylalanine, which is neutral and non-polar, at codon 706 of the JUP protein (p.Ser706Phe). This variant is not present in population databases (gnomAD no frequency). This variant has not been reported in the literature in individuals affected with JUP-related conditions. An algorithm developed to predict the effect of missense changes on protein structure and function (PolyPhen-2) suggests that this variant is likely to be tolerated. In summary, the available evidence is currently insufficient to determine the role of this variant in disease. Therefore, it has been classified as a Variant of Uncertain Significance.